The following is an entry in ClinVar:

NM_001378615.1(CC2D2A):c.3250T>A (p.Tyr1084Asn)

Genes: CC2D2A (coiled-coil and C2 domain containing 2A; plus strand), FBXL5 (F-box and leucine rich repeat protein 5; minus strand). Cytogenetic location: 4p15.32.
Variant type: single nucleotide variant.
Coding change: c.3250T>A on transcript NM_001378615.1 (MANE Select); coding-DNA position 3250, T replaced by A.
Protein change: p.Tyr1084Asn; replaces tyrosine 1084 with asparagine.
Molecular consequence: missense variant.
Genome position (GRCh38, 1-based): chr4:15,567,444, T>A. VCF-style: chr4-15567444-T-A. GRCh37 (hg19) VCF-style: chr4-15569067-T-A.
Other names: c.3250T>A, p.Tyr1084Asn (NM_001080522.2); c.3103T>A, p.Tyr1035Asn (NM_001378617.1); short protein forms Y1084N, Y1035N.
Identifiers: ClinVar variation 392764 (VCV000392764.2), dbSNP rs751234041, ClinGen allele CA16604611.

ClinVar aggregate classification (germline): Uncertain significance (1 of 4 stars; one submission).

Allele frequency attached by ClinVar (database versions not stated): gnomAD exomes 0.00001.

Submission:

GeneDx
Classification: Uncertain significance. Last evaluated: 2017-01-20. Review status: criteria provided, single submitter. Criteria: GeneDx Variant Classification (06012015). Collection method: clinical testing. Allele origin: germline. Affected: yes.
Comment: A variant of uncertain significance has been identified in the CC2D2A gene. The Y1084N variant has not been published as a pathogenic variant, nor has it been reported as a benign variant to our knowledge. The Y1084N variant is not observed in large population cohorts (Lek et al., 2016; 1000 Genomes Consortium et al., 2015; Exome Variant Server). The Y1084N variant is a semi-conservative amino acid substitution, which may impact secondary protein structure as these residues differ in some properties. However, this substitution occurs at a position that is not conserved. In silico analysis predicts this variant likely does not alter the protein structure/function. Therefore, based on the currently available information, it is unclear whether this variant is a pathogenic variant or a rare benign variant.